The following is an entry in ClinVar:

ClinVar aggregate classification (germline): Uncertain significance (1 of 4 stars; one submission).

Conditions:
Hereditary sensory and autonomic neuropathy type 6. Also called: HSAN VI; Neuropathy, hereditary sensory and autonomic, type VI. Identifiers: Orphanet 314381, MedGen C3539003, MONDO:0013839, OMIM 614653.
Epidermolysis bullosa simplex 3, localized or generalized intermediate, with BP230 deficiency (EBS3). Also called: Epidermolysis bullosa simplex, autosomal recessive 2; Epidermolysis bullosa simplex due to BP230 deficiency. Identifiers: Orphanet 412181, MedGen C3809470, MONDO:0014180, OMIM 615425.

Allele frequency attached by ClinVar (database versions not stated): gnomAD exomes below 0.00001; TOPMed below 0.00001.
gnomAD v4.1: 4 of 1,613,984 alleles (0.00025%); highest among the groups gnomAD compares: Non-Finnish European, 0.00025%; no homozygotes.

Submission:

Labcorp Genetics (formerly Invitae), Labcorp
Classification: Uncertain significance for Epidermolysis bullosa simplex 3, localized or generalized intermediate, with BP230 deficiency; Hereditary sensory and autonomic neuropathy type 6. Last evaluated: 2021-07-31. Review status: criteria provided, single submitter. Criteria: Invitae Variant Classification Sherloc (09022015). Collection method: clinical testing. Allele origin: germline.
Comment: This sequence change replaces isoleucine with methionine at codon 2615 of the DST protein (p.Ile2615Met). The DST gene has multiple clinically relevant transcripts. This variant occurs in alternate transcript NM_015548.4, and corresponds to NM_001723.5:c.*62439A>G in the primary transcript. This variant is not present in population databases (ExAC no frequency). This variant has not been reported in the literature in individuals affected with DST-related conditions. Experimental studies and prediction algorithms are not available or were not evaluated, and the functional significance of this variant is currently unknown. In summary, the available evidence is currently insufficient to determine the role of this variant in disease. Therefore, it has been classified as a Variant of Uncertain Significance.

NM_001374736.1(DST):c.15714A>G (p.Ile5238Met)

Gene: DST (dystonin; minus strand). Cytogenetic location: 6p12.1.
Variant type: single nucleotide variant.
Coding change: c.15714A>G on transcript NM_001374736.1 (MANE Select); coding-DNA position 15714, A replaced by G.
Protein change: p.Ile5238Met; replaces isoleucine 5238 with methionine.
Molecular consequence: missense variant.
Genome position (GRCh38, 1-based): chr6:56,553,078, T>C on the plus strand (A>G on the coding strand, the complement: DST is on the minus strand). VCF-style: chr6-56553078-T-C. GRCh37 (hg19) VCF-style: chr6-56417876-T-C.
Other names: c.9357A>G, p.Ile3119Met (NM_001144769.5); c.8943A>G, p.Ile2981Met (NM_001144770.2); c.15714A>G, p.Ile5238Met (NM_001374722.1); c.15081A>G, p.Ile5027Met (NM_001374729.1); c.8823A>G, p.Ile2941Met (NM_001374730.1, NM_001386100.1, NM_183380.4); c.15741A>G, p.Ile5247Met (NM_001374734.1); c.7845A>G, p.Ile2615Met (NM_015548.5); short protein forms I2981M, I5027M, I2615M, I5238M, I5247M, I3119M, I2941M.
Identifiers: ClinVar variation 1486346 (VCV001486346.3), dbSNP rs2097347476, ClinGen allele CA364516339.